The following is an entry in ClinVar:

NM_001448.3(GPC4):c.1412T>C (p.Met471Thr)

Gene: GPC4 (glypican 4; minus strand). Cytogenetic location: Xq26.2.
Variant type: single nucleotide variant.
Coding change: c.1412T>C on transcript NM_001448.3 (MANE Select); coding-DNA position 1412, T replaced by C.
Protein change: p.Met471Thr; replaces methionine 471 with threonine.
Molecular consequence: missense variant.
Genome position (GRCh38, 1-based): chrX:133,303,222, A>G on the plus strand (T>C on the coding strand, the complement: GPC4 is on the minus strand). VCF-style: chrX-133303222-A-G. GRCh37 (hg19) VCF-style: chrX-132437250-A-G.
Other names: short protein forms M471T.
Identifiers: ClinVar variation 2576734 (VCV002576734.2), dbSNP rs137944673, ClinGen allele CA10520317.

ClinVar aggregate classification (germline): Uncertain significance (1 of 4 stars; one submission).

Allele frequency attached by ClinVar (database versions not stated): ExAC 0.00001; TOPMed 0.00001; gnomAD exomes 0.00003; ESP Exome Variant Server 0.00009.
gnomAD v4.1: 36 of 1,211,627 alleles (0.003%); highest among the groups gnomAD compares: Non-Finnish European, 0.0039%; no homozygotes.

Submission:

GeneDx
Classification: Uncertain significance. Last evaluated: 2025-09-26. Review status: criteria provided, single submitter. Criteria: GeneDx Variant Classification Process June 2021. Collection method: clinical testing. Allele origin: germline.
Comment: In silico analysis supports that this missense variant has a deleterious effect on protein structure/function; Has not been previously published as pathogenic or benign to our knowledge